The following is an entry in ClinVar:

NM_000051.4(ATM):c.3634del (p.Ser1212fs)

Gene: ATM (ATM serine/threonine kinase; plus strand). Cytogenetic location: 11q22.3.
Variant type: Deletion.
Coding change: c.3634del on transcript NM_000051.4 (MANE Select); coding-DNA position 3634, one base deleted (T; older notation c.3634delT).
Protein change: p.Ser1212fs; shifts the reading frame from serine 1212.
Molecular consequence: frameshift variant.
Genome position (GRCh38, 1-based): chr11:108,282,767, T deleted. VCF-style (leftmost placement, unchanged base first): chr11-108282766-AT-A. GRCh37 (hg19) VCF-style: chr11-108153493-AT-A.
Other names: c.3634del, p.Ser1212fs (NM_001351834.2); short protein forms S1212fs.
Identifiers: ClinVar variation 3148333 (VCV003148333.1), dbSNP rs2546879385, ClinGen allele CA2825001840.

ClinVar aggregate classification (germline): Pathogenic (1 of 4 stars; one submission).

Conditions:
Familial cancer of breast. Also called: BREAST CANCER, FAMILIAL; Hereditary breast cancer; hereditary breast carcinoma. Identifiers: Orphanet 227535, MedGen C0346153, MONDO:0016419, OMIM 114480. Disease mechanism: loss of function.

Submission:

Myriad Genetics, Inc.
Classification: Pathogenic for Familial cancer of breast. Last evaluated: 2024-01-22. Review status: criteria provided, single submitter. Criteria: Myriad Autosomal Dominant, Autosomal Recessive and X-Linked Classification Criteria (2023). Collection method: clinical testing. Allele origin: unknown.
Comment: This variant is considered pathogenic. This variant creates a frameshift predicted to result in premature protein truncation.